The following is an entry in ClinVar:

ClinVar aggregate classification (germline): Likely benign. Review status: criteria provided, single submitter (1 of 4 stars). 2 submissions from 2 submitters: Likely benign (1). 1 of the submissions does not count toward it. Last evaluated 2025-03-25.

Conditions:
Familial thoracic aortic aneurysm and aortic dissection (TAAD). Also called: Thoracic aortic aneurysms and dissections. Identifiers: Orphanet 91387, MedGen C4707243, MONDO:0019625.
MAT2A-related disorder. Also called: MAT2A-related condition.

Submissions (2):

Labcorp Genetics (formerly Invitae), Labcorp
Classification: Likely benign for Familial thoracic aortic aneurysm and aortic dissection. Last evaluated: 2025-03-25. Review status: criteria provided, single submitter. Criteria: Invitae Variant Classification Sherloc (09022015). Collection method: clinical testing. Allele origin: germline.

PreventionGenetics, part of Exact Sciences
Classification: Likely benign for MAT2A-related condition. Last evaluated: 2023-01-05. Review status: no assertion criteria provided. Collection method: clinical testing. Allele origin: germline. Not counted in ClinVar's aggregate classification.
Comment: This variant is classified as likely benign based on ACMG/AMP sequence variant interpretation guidelines (Richards et al. 2015 PMID: 25741868, with internal and published modifications).

NM_005911.6(MAT2A):c.849A>C (p.Ser283=)

Genes: GGCX (gamma-glutamyl carboxylase; minus strand), MAT2A (methionine adenosyltransferase 2A; plus strand). Cytogenetic location: 2p11.2.
Variant type: single nucleotide variant.
Coding change: c.849A>C on transcript NM_005911.6 (MANE Select); coding-DNA position 849, A replaced by C.
Protein change: p.Ser283=; no amino-acid change (serine 283 retained).
Molecular consequence: synonymous variant.
Genome position (GRCh38, 1-based): chr2:85,542,645, A>C. VCF-style: chr2-85542645-A-C. GRCh37 (hg19) VCF-style: chr2-85769768-A-C.
Identifiers: ClinVar variation 3031251 (VCV003031251.3), dbSNP rs1394951555, ClinGen allele CA427439546.